The following is an entry in ClinVar:

ClinVar aggregate classification (germline): Uncertain significance (1 of 4 stars; one submission).

Conditions:
CHARGE syndrome (CHARGE). Also called: Hittner Hirsch Kreh syndrome; CHARGE ASSOCIATION--COLOBOMA, HEART ANOMALY, CHOANAL ATRESIA, RETARDATION, GENITAL AND EAR ANOMALIES; Coloboma, heart anomaly, choanal atresia, retardation, genital and ear anomalies; CHARGE association; Hall-Hittner syndrome. Identifiers: Orphanet 138, MedGen C0265354, MONDO:0008965.

Allele frequency attached by ClinVar (database versions not stated): gnomAD 0.00001.

Submission:

Labcorp Genetics (formerly Invitae), Labcorp
Classification: Uncertain significance for CHARGE syndrome. Last evaluated: 2025-04-07. Review status: criteria provided, single submitter. Criteria: Invitae Variant Classification Sherloc (09022015). Collection method: clinical testing. Allele origin: germline.
Comment: This sequence change replaces serine, which is neutral and polar, with phenylalanine, which is neutral and non-polar, at codon 1583 of the CHD7 protein (p.Ser1583Phe). This variant is not present in population databases (gnomAD no frequency). This variant has not been reported in the literature in individuals affected with CHD7-related conditions. ClinVar contains an entry for this variant (Variation ID: 2766976). Invitae Evidence Modeling of protein sequence and biophysical properties (such as structural, functional, and spatial information, amino acid conservation, physicochemical variation, residue mobility, and thermodynamic stability) has been performed for this missense variant. However, the output from this modeling did not meet the statistical confidence thresholds required to predict the impact of this variant on CHD7 protein function. In summary, the available evidence is currently insufficient to determine the role of this variant in disease. Therefore, it has been classified as a Variant of Uncertain Significance.

NM_017780.4(CHD7):c.4748C>T (p.Ser1583Phe)

Gene: CHD7 (chromodomain helicase DNA binding protein 7; plus strand). Cytogenetic location: 8q12.2.
Variant type: single nucleotide variant.
Coding change: c.4748C>T on transcript NM_017780.4 (MANE Select); coding-DNA position 4748, C replaced by T.
Protein change: p.Ser1583Phe; replaces serine 1583 with phenylalanine.
Molecular consequence: missense variant. On other transcripts: intron variant (1).
Genome position (GRCh38, 1-based): chr8:60,841,950, C>T. VCF-style: chr8-60841950-C-T. GRCh37 (hg19) VCF-style: chr8-61754509-C-T.
Other names: c.1717-20279C>T (NM_001316690.1); short protein forms S1583F.
Identifiers: ClinVar variation 2766976 (VCV002766976.3), dbSNP rs1804993680, ClinGen allele CA371319316.